The following is an entry in ClinVar:

ClinVar aggregate classification (germline): Uncertain significance (1 of 4 stars; one submission).

Conditions:
Nephronophthisis. Also called: Juvenile Nephronophthisis. Identifiers: Orphanet 655, MedGen C0687120, MONDO:0019005, HP:0000090.

Allele frequency attached by ClinVar (database versions not stated): gnomAD exomes below 0.00001; ExAC 0.00001; gnomAD 0.00001.
gnomAD v4.1: 2 of 1,613,776 alleles (0.00012%); highest among the groups gnomAD compares: East Asian, 0.0022%; no homozygotes.

Submission:

Labcorp Genetics (formerly Invitae), Labcorp
Classification: Uncertain significance for Nephronophthisis. Last evaluated: 2022-06-28. Review status: criteria provided, single submitter. Criteria: Invitae Variant Classification Sherloc (09022015). Collection method: clinical testing. Allele origin: germline.
Comment: In summary, the available evidence is currently insufficient to determine the role of this variant in disease. Therefore, it has been classified as a Variant of Uncertain Significance. Algorithms developed to predict the effect of missense changes on protein structure and function output the following: SIFT: "Deleterious"; PolyPhen-2: "Benign"; Align-GVGD: "Class C0". The phenylalanine amino acid residue is found in multiple mammalian species, which suggests that this missense change does not adversely affect protein function. This sequence change replaces serine, which is neutral and polar, with phenylalanine, which is neutral and non-polar, at codon 1358 of the NPHP4 protein (p.Ser1358Phe). This variant is present in population databases (rs754968410, gnomAD 0.005%). This variant has not been reported in the literature in individuals affected with NPHP4-related conditions.

NM_015102.5(NPHP4):c.4073C>T (p.Ser1358Phe)

Gene: NPHP4 (nephrocystin 4; minus strand). Cytogenetic location: 1p36.31.
Variant type: single nucleotide variant.
Coding change: c.4073C>T on transcript NM_015102.5 (MANE Select); coding-DNA position 4073, C replaced by T.
Protein change: p.Ser1358Phe; replaces serine 1358 with phenylalanine.
Molecular consequence: missense variant. On other transcripts: non-coding transcript variant (1).
Genome position (GRCh38, 1-based): chr1:5,863,957, G>A on the plus strand (C>T on the coding strand, the complement: NPHP4 is on the minus strand). VCF-style: chr1-5863957-G-A. GRCh37 (hg19) VCF-style: chr1-5924017-G-A.
Other names: c.2534C>T, p.Ser845Phe (NM_001291593.2); c.2537C>T, p.Ser846Phe (NM_001291594.2); short protein forms S845F, S1358F, S846F.
Identifiers: ClinVar variation 1977132 (VCV001977132.5), dbSNP rs754968410, ClinGen allele CA553364.